The following is an entry in ClinVar:

NM_000051.4(ATM):c.7566A>G (p.Gln2522=)

Genes: ATM (ATM serine/threonine kinase; plus strand), C11orf65 (chromosome 11 open reading frame 65; minus strand). Cytogenetic location: 11q22.3.
Variant type: single nucleotide variant.
Coding change: c.7566A>G on transcript NM_000051.4 (MANE Select); coding-DNA position 7566, A replaced by G.
Protein change: p.Gln2522=; no amino-acid change (glutamine 2522 retained).
Molecular consequence: synonymous variant. On other transcripts: intron variant (2), non-coding transcript variant (1).
Genome position (GRCh38, 1-based): chr11:108,331,494, A>G. VCF-style: chr11-108331494-A-G. GRCh37 (hg19) VCF-style: chr11-108202221-A-G.
Other names: c.7566A>G (NM_000051.2); c.7566A>G, p.Gln2522= (NM_001351834.2); c.641-22423T>C (NM_001330368.2); c.*38+3726T>C (NM_001351110.2).
Identifiers: ClinVar variation 220378 (VCV000220378.25), dbSNP rs775621333, ClinGen allele CA350418.

ClinVar aggregate classification (germline): Conflicting classifications of pathogenicity. Review status: criteria provided, conflicting classifications (1 of 4 stars). 9 submissions from 9 submitters: Uncertain significance (5); Likely benign (4). Last evaluated 2026-01-13.

Conditions:
Hereditary cancer-predisposing syndrome. Also called: Neoplastic Syndromes, Hereditary; Hereditary neoplastic syndrome; Tumor predisposition; Hereditary Cancer Syndrome. Identifiers: Orphanet 140162, MedGen C0027672, MeSH D009386, MONDO:0015356.
Familial cancer of breast. Also called: hereditary breast carcinoma; Hereditary breast cancer; BREAST CANCER, FAMILIAL. Identifiers: Orphanet 227535, MedGen C0346153, MONDO:0016419, OMIM 114480. Disease mechanism: loss of function.
Ataxia-telangiectasia syndrome (AT). Also called: Ataxia telangiectasia (A-T); Cerebello-oculocutaneous telangiectasia; Immunodeficiency with ataxia telangiectasia; LOUIS-BAR SYNDROME; AT, COMPLEMENTATION GROUP C; ATAXIA-TELANGIECTASIA, FRESNO VARIANT. Identifiers: Orphanet 100, MedGen C0004135, MONDO:0008840, OMIM 208900.

Allele frequency attached by ClinVar (database versions not stated): gnomAD 0.00001 and 0.00003; TOPMed 0.00002; ExAC 0.00005.
gnomAD v4.1: 41 of 1,613,376 alleles (0.0025%); highest among the groups gnomAD compares: East Asian, 0.054%; 1 homozygote.

Submissions (10):

Labcorp Genetics (formerly Invitae), Labcorp
Classification: Likely benign for Ataxia-telangiectasia syndrome. Last evaluated: 2026-01-13. Review status: criteria provided, single submitter. Criteria: Invitae Variant Classification Sherloc (09022015). Collection method: clinical testing. Allele origin: germline.

Color Diagnostics, LLC DBA Color Health
Classification: Uncertain significance for Hereditary cancer-predisposing syndrome. Last evaluated: 2025-05-21. Review status: criteria provided, single submitter. Criteria: ACMG Guidelines, 2015. Collection method: clinical testing. Allele origin: germline.
Comment: This synonymous variant causes an A to G substitution in exon 51 of the ATM gene. Splice site prediction tools suggest that this variant may create a new splice acceptor site, however, this prediction has not been confirmed in published RNA studies. This variant has been reported in individuals affected with breast cancer (PMID: 30093976, 30287823) and in individuals unaffected with breast cancer (PMID: 30287823). This variant has been identified in 6/251308 chromosomes in the general population by the Genome Aggregation Database (gnomAD). The available evidence is insufficient to determine the role of this variant in disease conclusively. Therefore, this variant is classified as a Variant of Uncertain Significance.

Myriad Genetics, Inc.
Classification: Likely benign for Familial cancer of breast. Last evaluated: 2024-06-14. Review status: criteria provided, single submitter. Criteria: Myriad Autosomal Dominant, Autosomal Recessive and X-Linked Classification Criteria (2023). Collection method: clinical testing. Allele origin: unknown.
Comment: This variant is considered likely benign. This variant is a silent/synonymous amino acid change and it is not expected to impact splicing.

Fulgent Genetics
Classification: Uncertain significance for Familial cancer of breast; Ataxia-telangiectasia syndrome. Last evaluated: 2024-05-04. Review status: criteria provided, single submitter. Criteria: ACMG Guidelines, 2015. Collection method: clinical testing. Allele origin: germline.

Department of Pathology and Laboratory Medicine, Sinai Health System
Classification: Uncertain significance for Familial cancer of breast. Last evaluated: 2023-01-27. Review status: criteria provided, single submitter. Criteria: ACMG Guidelines, 2015. Collection method: clinical testing. Allele origin: germline. Affected: yes.

Sema4
Classification: Uncertain significance for Hereditary cancer-predisposing syndrome. Last evaluated: 2022-01-06. Review status: criteria provided, single submitter. Criteria: Sema4 Curation Guidelines. Collection method: curation. Allele origin: germline.
Comment: The ATM c.7566A>G (p.Q2522=) variant has been reported in heterozygosity in at least 2 individuals with breast cancer (PMID: 30287823, 30093976), but has also been reported in healthy controls (PMID: 30287823, 32980694). It was observed in 3/18370 chromosomes in the East Asian subpopulation in the Genome Aggregation Database (PMID: 32461654). This variant has been reported in ClinVar (Variation ID: 220378). In silico tools suggest that the variant may create a new splice acceptor site, though these predictions have not been confirmed by functional studies. The evidence is insufficient to meet ACMG/AMP criteria for classifying the variant as benign or pathogenic. Thus, the clinical significance of this variant is currently uncertain.

GeneDx
Classification: Uncertain significance. Last evaluated: 2020-10-28. Review status: criteria provided, single submitter. Criteria: GeneDx Variant Classification Process June 2021. Collection method: clinical testing. Allele origin: germline. Affected: yes.
Comment: In silico analysis suggests this variant may impact gene splicing. In the absence of RNA/functional studies, the actual effect of this sequence change is unknown.; Observed in individuals with breast cancer, but also in unaffected controls (Chan 2018, Momozawa 2018); This variant is associated with the following publications: (PMID: 29338689, 30287823, 30093976)

Ambry Genetics
Classification: Likely benign for Hereditary cancer-predisposing syndrome. Last evaluated: 2019-12-11. Review status: criteria provided, single submitter. Criteria: Ambry Variant Classification Scheme 2023. Collection method: clinical testing. Allele origin: germline.

Women's Health and Genetics/Laboratory Corporation of America, LabCorp
Classification: Likely benign. Last evaluated: 2019-10-03. Review status: criteria provided, single submitter. Criteria: LabCorp Variant Classification Summary - May 2015. Collection method: clinical testing. Allele origin: germline.

Dr. Peter K. Rogan Lab, Western University
No classification provided (evidence only). Condition: Hepatocellular carcinoma. Review status: no classification provided. Collection method: in vitro. Allele origin: not applicable. Functional consequence: retained intron. Not counted in ClinVar's aggregate classification.

Literature cited by the submitters: PubMed 30093976 (cited by 3 submitters); PubMed 30287823 (cited by 4 submitters); PubMed 32980694 (cited by Sema4).